The following is an entry in ClinVar:

ClinVar aggregate classification (germline): Pathogenic/Likely pathogenic. Review status: criteria provided, multiple submitters, no conflicts (2 of 4 stars). 2 submissions from 2 submitters: Pathogenic (1); Likely pathogenic (1). Last evaluated 2026-04-07.

Conditions:
Otospondylomegaepiphyseal dysplasia, autosomal recessive (OSMEDB). Also called: CHONDRODYSTROPHY WITH SENSORINEURAL DEAFNESS; Insley-Astley syndrome. Identifiers: Orphanet 1427, MedGen CN034493, MONDO:0044206, OMIM 215150.

Submissions (2):

Clinical Genetics and Genomics, Karolinska University Hospital
Classification: Likely pathogenic for Otospondylomegaepiphyseal dysplasia, autosomal recessive. Last evaluated: 2026-04-07. Review status: criteria provided, single submitter. Criteria: ACMG Guidelines, 2015. Collection method: clinical testing. Allele origin: unknown. Affected: yes.
Comment: The frameshift variant is predicted to result in protein truncation or nonsense mediated decay in a gene for which loss of function is a known mechanism of disease. Not observed at significant frequency in large population cohorts (gnomAD).

Labcorp Genetics (formerly Invitae), Labcorp
Classification: Pathogenic. Last evaluated: 2023-10-28. Review status: criteria provided, single submitter. Criteria: Invitae Variant Classification Sherloc (09022015). Collection method: clinical testing. Allele origin: germline.
Comment: This sequence change creates a premature translational stop signal (p.Gly1279Trpfs*12) in the COL11A2 gene. It is expected to result in an absent or disrupted protein product. Loss-of-function variants in COL11A2 are known to be pathogenic (PMID: 10677296, 21204229). This variant is not present in population databases (gnomAD no frequency). This variant has not been reported in the literature in individuals affected with COL11A2-related conditions. ClinVar contains an entry for this variant (Variation ID: 2098356). For these reasons, this variant has been classified as Pathogenic.

Literature cited by the submitters: PubMed 10677296 (cited by Labcorp Genetics (formerly Invitae), Labcorp); PubMed 21204229 (cited by Labcorp Genetics (formerly Invitae), Labcorp).

NM_080680.3(COL11A2):c.3833dup (p.Gly1279fs)

Gene: COL11A2 (collagen type XI alpha 2 chain; minus strand). Cytogenetic location: 6p21.32.
Variant type: Duplication.
Coding change: c.3833dup on transcript NM_080680.3 (MANE Select); coding-DNA position 3833, one base duplicated (C; older notation c.3833dupC).
Protein change: p.Gly1279fs; shifts the reading frame from glycine 1279.
Molecular consequence: frameshift variant.
Genome position (GRCh38, 1-based): chr6:33,168,974, G duplicated on the plus strand (C on the coding strand, the reverse complement: COL11A2 is on the minus strand); the first of 6 consecutive G bases (chr6:33,168,974-33,168,979); duplicating any one gives the same sequence. VCF-style (leftmost placement, unchanged base first): chr6-33168973-A-AG. GRCh37 (hg19) VCF-style: chr6-33136750-A-AG.
Other names: c.3512dup, p.Gly1172fs (NM_080679.3); c.3575dup, p.Gly1193fs (NM_080681.3); short protein forms G1172fs, G1279fs, G1193fs.
Identifiers: ClinVar variation 2098356 (VCV002098356.5), dbSNP rs1259037195, ClinGen allele CA566426703.